The following is an entry in ClinVar:

NM_005911.6(MAT2A):c.406-3T>C

Genes: GGCX (gamma-glutamyl carboxylase; minus strand), MAT2A (methionine adenosyltransferase 2A; plus strand). Cytogenetic location: 2p11.2.
Variant type: single nucleotide variant.
Coding change: c.406-3T>C on transcript NM_005911.6 (MANE Select); 3 bases into the intron before coding-DNA position 406, T replaced by C.
Molecular consequence: intron variant.
Genome position (GRCh38, 1-based): chr2:85,541,826, T>C. VCF-style: chr2-85541826-T-C. GRCh37 (hg19) VCF-style: chr2-85768949-T-C.
Identifiers: ClinVar variation 847328 (VCV000847328.12), dbSNP rs747379918, ClinGen allele CA1741413.
Genomic context (GRCh38, chr2:85,541,826, plus strand): 5'-TTTTAATCTCTTCTAACATTAAATTCTGGAGCTTGATCACATTGGTGACTTTTCTTTCTT[T>C]AGGGCTTAATGTTTGGCTATGCCACTGATGAAACTGAGGAGTGTATGCCTTTAACCATTG-3'

ClinVar aggregate classification (germline): Conflicting classifications of pathogenicity. Review status: criteria provided, conflicting classifications (1 of 4 stars). 3 submissions from 3 submitters: Uncertain significance (1); Likely benign (2). Last evaluated 2025-09-25.

Conditions:
Familial thoracic aortic aneurysm and aortic dissection (TAAD). Also called: Thoracic aortic aneurysms and dissections. Identifiers: Orphanet 91387, MedGen C4707243, MONDO:0019625.

Allele frequency attached by ClinVar (database versions not stated): gnomAD exomes 0.00002; TOPMed 0.00002; ExAC 0.00003; gnomAD 0.00003 and 0.00004.
gnomAD v4.1: 29 of 1,613,918 alleles (0.0018%); highest among the groups gnomAD compares: Non-Finnish European, 0.0025%; no homozygotes.

Submissions (3):

Labcorp Genetics (formerly Invitae), Labcorp
Classification: Uncertain significance for Familial thoracic aortic aneurysm and aortic dissection. Last evaluated: 2025-09-25. Review status: criteria provided, single submitter. Criteria: Invitae Variant Classification Sherloc (09022015). Collection method: clinical testing. Allele origin: germline.
Comment: This sequence change falls in intron 4 of the MAT2A gene. It does not directly change the encoded amino acid sequence of the MAT2A protein. It affects a nucleotide within the consensus splice site. This variant is present in population databases (rs747379918, gnomAD 0.005%). This variant has not been reported in the literature in individuals affected with MAT2A-related conditions. ClinVar contains an entry for this variant (Variation ID: 847328). Variants that disrupt the consensus splice site are a relatively common cause of aberrant splicing (PMID: 17576681, 9536098). Algorithms developed to predict the effect of sequence changes on RNA splicing suggest that this variant is not likely to affect RNA splicing. In summary, the available evidence is currently insufficient to determine the role of this variant in disease. Therefore, it has been classified as a Variant of Uncertain Significance.

Blueprint Genetics
Classification: Likely benign. Last evaluated: 2023-05-09. Review status: criteria provided, single submitter. Criteria: ACMG Guidelines, 2015. Collection method: clinical testing. Allele origin: germline.

GeneDx
Classification: Likely benign. Last evaluated: 2021-01-29. Review status: criteria provided, single submitter. Criteria: GeneDx Variant Classification Process June 2021. Collection method: clinical testing. Allele origin: germline. Affected: yes.

Literature cited by the submitters: PubMed 17576681 (cited by Labcorp Genetics (formerly Invitae), Labcorp); PubMed 9536098 (cited by Labcorp Genetics (formerly Invitae), Labcorp).